The following is an entry in ClinVar:

ClinVar aggregate classification (germline): Uncertain significance. Review status: criteria provided, multiple submitters, no conflicts (2 of 4 stars). 2 submissions from 2 submitters: Uncertain significance (2). Last evaluated 2024-10-03.

Conditions:
Hereditary cancer-predisposing syndrome. Also called: Neoplastic Syndromes, Hereditary; Tumor predisposition; Hereditary Cancer Syndrome; Hereditary neoplastic syndrome. Identifiers: Orphanet 140162, MedGen C0027672, MeSH D009386, MONDO:0015356.
Familial cancer of breast. Also called: BREAST CANCER, FAMILIAL; Hereditary breast cancer; hereditary breast carcinoma. Identifiers: Orphanet 227535, MedGen C0346153, MONDO:0016419, OMIM 114480. Disease mechanism: loss of function.

Submissions (2):

Labcorp Genetics (formerly Invitae), Labcorp
Classification: Uncertain significance for Familial cancer of breast. Last evaluated: 2024-10-03. Review status: criteria provided, single submitter. Criteria: Invitae Variant Classification Sherloc (09022015). Collection method: clinical testing. Allele origin: germline.
Comment: This sequence change replaces serine, which is neutral and polar, with leucine, which is neutral and non-polar, at codon 142 of the BARD1 protein (p.Ser142Leu). This variant is not present in population databases (gnomAD no frequency). This variant has not been reported in the literature in individuals affected with BARD1-related conditions. ClinVar contains an entry for this variant (Variation ID: 482787). An algorithm developed to predict the effect of missense changes on protein structure and function (PolyPhen-2) suggests that this variant is likely to be tolerated. In summary, the available evidence is currently insufficient to determine the role of this variant in disease. Therefore, it has been classified as a Variant of Uncertain Significance.

Ambry Genetics
Classification: Uncertain significance for Hereditary cancer-predisposing syndrome. Last evaluated: 2024-05-22. Review status: criteria provided, single submitter. Criteria: Ambry Variant Classification Scheme 2023. Collection method: clinical testing. Allele origin: germline.
Comment: The p.S142L variant (also known as c.425C>T), located in coding exon 4 of the BARD1 gene, results from a C to T substitution at nucleotide position 425. The serine at codon 142 is replaced by leucine, an amino acid with dissimilar properties. This alteration was identified in a cohort of 1040 individuals with advanced cancer diagnoses who underwent paired germline and tumor genetic testing (Mandelker D et al. JAMA. 2017 09;318:825-835). This amino acid position is not well conserved in available vertebrate species. In addition, this alteration is predicted to be tolerated by in silico analysis. Since supporting evidence is limited at this time, the clinical significance of this alteration remains unclear.

Literature cited by the submitters: PubMed 28873162 (cited by Ambry Genetics).

NM_000465.4(BARD1):c.425C>T (p.Ser142Leu)

Gene: BARD1 (BRCA1 associated RING domain 1; minus strand). Cytogenetic location: 2q35.
Variant type: single nucleotide variant.
Coding change: c.425C>T on transcript NM_000465.4 (MANE Select); coding-DNA position 425, C replaced by T.
Protein change: p.Ser142Leu; replaces serine 142 with leucine.
Molecular consequence: missense variant. On other transcripts: non-coding transcript variant (2), intron variant (3).
Genome position (GRCh38, 1-based): chr2:214,781,449, G>A on the plus strand (C>T on the coding strand, the complement: BARD1 is on the minus strand). VCF-style: chr2-214781449-G-A. GRCh37 (hg19) VCF-style: chr2-215646173-G-A.
Other names: c.368C>T, p.Ser123Leu (NM_001282543.2); c.158+27963C>T (NM_001282548.2); c.215+15612C>T (NM_001282545.2); c.364+10848C>T (NM_001282549.2); short protein forms S142L, S123L.
Identifiers: ClinVar variation 482787 (VCV000482787.18), dbSNP rs1553622692, ClinGen allele CA350457859.